The following is an entry in ClinVar:

ClinVar aggregate classification (germline): Likely benign. Review status: criteria provided, multiple submitters, no conflicts (2 of 4 stars). 3 submissions from 3 submitters: Likely benign (3). Last evaluated 2023-03-01.

Allele frequency attached by ClinVar (database versions not stated): 1000 Genomes Project 30x 0.00016; 1000 Genomes Project 0.00020; gnomAD 0.00210; TOPMed 0.00240; ESP Exome Variant Server 0.00261.

Submissions (3):

CeGaT Center for Human Genetics Tuebingen
Classification: Likely benign. Last evaluated: 2023-03-01. Review status: criteria provided, single submitter. Criteria: CeGaT Center For Human Genetics Tuebingen Variant Classification Criteria Version 2. Collection method: clinical testing. Allele origin: germline. Affected: yes. Observed: 2 variant alleles.
Comment: MAML1: BP4

Labcorp Genetics (formerly Invitae), Labcorp
Classification: Likely benign. Last evaluated: 2018-06-26. Review status: criteria provided, single submitter. Criteria: Invitae Variant Classification Sherloc (09022015). Collection method: clinical testing. Allele origin: germline.

Breakthrough Genomics
Classification: Likely benign. Review status: criteria provided, single submitter. Criteria: ACMG Guidelines, 2015. Collection method: not provided. Allele origin: germline. Inheritance: Unknown mechanism. Affected: yes.

NM_014757.5(MAML1):c.569G>A (p.Arg190His)

Gene: MAML1 (mastermind like transcriptional coactivator 1; plus strand). Cytogenetic location: 5q35.3.
Variant type: single nucleotide variant.
Coding change: c.569G>A on transcript NM_014757.5 (MANE Select); coding-DNA position 569, G replaced by A.
Protein change: p.Arg190His; replaces arginine 190 with histidine.
Molecular consequence: missense variant.
Genome position (GRCh38, 1-based): chr5:179,765,579, G>A. VCF-style: chr5-179765579-G-A. GRCh37 (hg19) VCF-style: chr5-179192580-G-A.
Other names: short protein forms R190H.
Identifiers: ClinVar variation 717077 (VCV000717077.28), dbSNP rs113636707, ClinGen allele CA3598845.